The following is an entry in ClinVar:

ClinVar aggregate classification (germline): Pathogenic/Likely pathogenic. Review status: criteria provided, multiple submitters, no conflicts (2 of 4 stars). 5 submissions from 5 submitters: Pathogenic (2); Likely pathogenic (2). 1 of the submissions does not count toward it. Last evaluated 2024-06-26.

Conditions:
Hereditary cancer-predisposing syndrome. Also called: Neoplastic Syndromes, Hereditary; Hereditary neoplastic syndrome; Hereditary Cancer Syndrome; Tumor predisposition. Identifiers: Orphanet 140162, MedGen C0027672, MeSH D009386, MONDO:0015356.
Ataxia-telangiectasia syndrome (AT). Also called: Ataxia-telangiectasia, complementation group D; Ataxia-telangiectasia, complementation group E; LOUIS-BAR SYNDROME; AT, COMPLEMENTATION GROUP C; ATAXIA-TELANGIECTASIA, COMPLEMENTATION GROUP A; ATAXIA-TELANGIECTASIA, FRESNO VARIANT. Identifiers: Orphanet 100, MedGen C0004135, MONDO:0008840, OMIM 208900.
Familial cancer of breast. Also called: hereditary breast carcinoma; Hereditary breast cancer; BREAST CANCER, FAMILIAL. Identifiers: Orphanet 227535, MedGen C0346153, MONDO:0016419, OMIM 114480. Disease mechanism: loss of function.

Allele frequency attached by ClinVar (database versions not stated): gnomAD exomes below 0.00001.

Submissions (5):

Ambry Genetics
Classification: Pathogenic for Hereditary cancer-predisposing syndrome. Last evaluated: 2024-06-26. Review status: criteria provided, single submitter. Criteria: Ambry Variant Classification Scheme 2023. Collection method: clinical testing. Allele origin: germline.
Comment: The c.9064dupG pathogenic mutation, located in coding exon 62 of the ATM gene, results from a duplication of G at nucleotide position 9064, causing a translational frameshift with a predicted alternate stop codon (p.E3022Gfs*41). This pathogenic mutation was reported in the literature in a compound heterozygous state with a consensus splice site alteration, IVS20+1G>A, in a patient with ataxia telangiectasia (Buzin CH et al. Hum. Mutat. 2003 Feb;21(2):123-31). In another study, this mutation was reported in one out of 188 chronic lymphocytic leukemia patients with poor-prognostic features who also showed a typical immunophenotype (Sutton LA et al. Haematologica. 2015 Mar;100(3):370-6). This variant is considered to be rare based on population cohorts in the Genome Aggregation Database (gnomAD). In addition to the clinical data presented in the literature, this frameshift occurs near the 3' terminus of ATM and results in the elongation of the protein by 6 amino acids. This mutation alters the sequence of the FATC domain of the ATM protein which has been shown to be necessary for ATM regulation (Jiang XJ et al. Biol. Chem. 2006 Jun;281(23):15741-6). As such, this alteration is interpreted as a disease-causing mutation.

Labcorp Genetics (formerly Invitae), Labcorp
Classification: Pathogenic for Ataxia-telangiectasia syndrome. Last evaluated: 2024-05-13. Review status: criteria provided, single submitter. Criteria: Invitae Variant Classification Sherloc (09022015). Collection method: clinical testing. Allele origin: germline.
Comment: This sequence change results in a frameshift in the ATM gene (p.Glu3022Glyfs*41). While this is not anticipated to result in nonsense mediated decay, it is expected to disrupt the last 35 amino acid(s) of the ATM protein and extend the protein by 5 additional amino acid residues. This variant is not present in population databases (gnomAD no frequency). This frameshift has been observed in individual(s) with ataxia-telangiectasia (PMID: 12552559). ClinVar contains an entry for this variant (Variation ID: 370165). This variant disrupts a region of the ATM protein in which other variant(s) (p.Arg3047*) have been determined to be pathogenic (PMID: 8755918, 10980530, 18560558, 19691550, 26628246). This suggests that this is a clinically significant region of the protein, and that variants that disrupt it are likely to be disease-causing. For these reasons, this variant has been classified as Pathogenic.

Myriad Genetics, Inc.
Classification: Likely pathogenic for Familial cancer of breast. Last evaluated: 2024-02-06. Review status: criteria provided, single submitter. Criteria: Myriad Autosomal Dominant, Autosomal Recessive and X-Linked Classification Criteria (2023). Collection method: clinical testing. Allele origin: unknown.
Comment: This variant is considered likely pathogenic. This variant creates a frameshift predicted to result in the incorporation of abnormal amino acid sequence into the protein product and abnormal protein elongation. This variant has been reported in multiple individuals with clinical features of gene-specific disease [PMID: 12552559, 16266405, 25614872, 15039971, 21965147].

Color Diagnostics, LLC DBA Color Health
Classification: Likely pathogenic for Hereditary cancer-predisposing syndrome. Last evaluated: 2022-11-07. Review status: criteria provided, single submitter. Criteria: ACMG Guidelines, 2015. Collection method: clinical testing. Allele origin: germline.
Comment: This variant inserts 1 nucleotide in exon 63 of the ATM gene, creating a frameshift in the last coding exon and extending the length of the ATM protein by 5 amino acids. This variant is expected to alter the FATC domain and disrupt the ATM protein function (PMID: 16603769). This variant has been observed in the compound heterozygous state in an individual affected with autosomal recessive ataxia-telangiectasia (PMID: 12552559), indicating that this variant contributes to disease. This variant has not been identified in the general population by the Genome Aggregation Database (gnomAD). Loss of ATM function is a known mechanism of disease. Based on the available evidence, this variant is classified as Likely Pathogenic.

Counsyl
Classification: Likely pathogenic for Ataxia-telangiectasia syndrome. Last evaluated: 2015-12-11. Review status: no assertion criteria provided. Collection method: clinical testing. Allele origin: unknown. Not counted in ClinVar's aggregate classification.

Literature cited by the submitters: PubMed 12552559 (cited by 4 submitters); PubMed 8755918 (cited by Labcorp Genetics (formerly Invitae), Labcorp); PubMed 10980530 (cited by Labcorp Genetics (formerly Invitae), Labcorp); PubMed 18560558 (cited by Labcorp Genetics (formerly Invitae), Labcorp); PubMed 19691550 (cited by Labcorp Genetics (formerly Invitae), Labcorp); PubMed 26628246 (cited by Labcorp Genetics (formerly Invitae), Labcorp); PubMed 16266405 (cited by Myriad Genetics, Inc.); PubMed 25614872 (cited by Myriad Genetics, Inc.); PubMed 15039971 (cited by Myriad Genetics, Inc.); PubMed 21965147 (cited by Myriad Genetics, Inc.); PubMed 16603769 (cited by Color Diagnostics, LLC DBA Color Health).

NM_000051.4(ATM):c.9064dup (p.Glu3022fs)

Genes: ATM (ATM serine/threonine kinase; plus strand), C11orf65 (chromosome 11 open reading frame 65; minus strand). Cytogenetic location: 11q22.3.
Variant type: Duplication.
Coding change: c.9064dup on transcript NM_000051.4 (MANE Select); coding-DNA position 9064, one base duplicated (G; older notation c.9064dupG).
Protein change: p.Glu3022fs; shifts the reading frame from glutamic acid 3022.
Molecular consequence: frameshift variant. On other transcripts: intron variant (2).
Genome position (GRCh38, 1-based): chr11:108,365,401, G duplicated. VCF-style (leftmost placement, unchanged base first): chr11-108365400-A-AG. GRCh37 (hg19) VCF-style: chr11-108236127-A-AG.
Other names: c.9064dupG (NM_000051.3); c.9064dup, p.Glu3022fs (NM_001351834.2); c.640+20519dup (NM_001330368.2); c.694+20519dup (NM_001351110.2); short protein forms E3022fs.
Identifiers: ClinVar variation 370165 (VCV000370165.17), dbSNP rs1057516282, ClinGen allele CA16041432.